The following is an entry in ClinVar:

ClinVar aggregate classification (germline): Uncertain significance (0 of 4 stars; one submission).

Allele frequency attached by ClinVar (database versions not stated): gnomAD exomes 0.00006; ExAC 0.00008; ESP Exome Variant Server 0.00023; gnomAD 0.00024; TOPMed 0.00031.
gnomAD v4.1: 70 of 1,614,138 alleles (0.0043%); highest among the groups gnomAD compares: African/African-American, 0.087%; no homozygotes.

Submission:

Department of Pathology and Laboratory Medicine, Sinai Health System
Classification: Uncertain significance. Review status: no assertion criteria provided. Collection method: clinical testing. Allele origin: unknown. Affected: yes. Study: The Canadian Open Genetics Repository (COGR).
Comment: The ABCB1 p.Thr1015Asn variant was not identified in the literature nor was it identified in ClinVar, Cosmic or LOVD 3.0. The variant was identified in dbSNP (ID: rs145774816) and was also found in control databases in 24 of 282684 chromosomes at a frequency of 0.000085 (Genome Aggregation Database Feb 27, 2017). The variant was observed in the following populations: African in 22 of 24968 chromosomes (freq: 0.000881), South Asian in 1 of 30616 chromosomes (freq: 0.000033) and European (non-Finnish) in 1 of 129024 chromosomes (freq: 0.000008), while the variant was not observed in the Latino, Ashkenazi Jewish, East Asian, European (Finnish) and Other populations. The variant occurs outside of the splicing consensus sequence and in silico or computational prediction software programs (SpliceSiteFinder, MaxEntScan, NNSPLICE, GeneSplicer) do not predict a difference in splicing. The p.Thr1015 residue is not conserved in mammals and computational analyses (PolyPhen-2, SIFT, AlignGVGD, BLOSUM, MutationTaster) do not suggest a high likelihood of impact to the protein; however, this information is not predictive enough to rule out pathogenicity. In summary, based on the above information the clinical significance of this variant cannot be determined with certainty a this time. This variant is classified as a variant of uncertain significance.

NM_001348946.2(ABCB1):c.3044C>A (p.Thr1015Asn)

Gene: ABCB1 (ATP binding cassette subfamily B member 1; minus strand). Cytogenetic location: 7q21.12.
Variant type: single nucleotide variant.
Coding change: c.3044C>A on transcript NM_001348946.2 (MANE Select); coding-DNA position 3044, C replaced by A.
Protein change: p.Thr1015Asn; replaces threonine 1015 with asparagine.
Molecular consequence: missense variant.
Genome position (GRCh38, 1-based): chr7:87,516,549, G>T on the plus strand (C>A on the coding strand, the complement: ABCB1 is on the minus strand). VCF-style: chr7-87516549-G-T. GRCh37 (hg19) VCF-style: chr7-87145865-G-T.
Other names: c.3044C>A, p.Thr1015Asn (NM_000927.5, NM_001348944.2); c.3254C>A, p.Thr1085Asn (NM_001348945.2); short protein forms T1015N, T1085N.
Identifiers: ClinVar variation 1049700 (VCV001049700.1), dbSNP rs145774816, ClinGen allele CA4327883.